The following is an entry in ClinVar:

ClinVar aggregate classification (germline): Uncertain significance (1 of 4 stars; one submission).

Allele frequency attached by ClinVar (database versions not stated): gnomAD exomes below 0.00001.
gnomAD v4.1: 2 of 1,613,284 alleles (0.00012%); highest among the groups gnomAD compares: Non-Finnish European, 0.00017%; no homozygotes.

Submission:

GeneDx
Classification: Uncertain significance. Last evaluated: 2019-10-25. Review status: criteria provided, single submitter. Criteria: GeneDx Variant Classification Process June 2021. Collection method: clinical testing. Allele origin: germline. Affected: yes.
Comment: Not observed in large population cohorts (Lek et al., 2016); In silico analysis, which includes protein predictors and evolutionary conservation, supports a deleterious effect; Has not been previously published as pathogenic or benign to our knowledge

NM_001374828.1(ARID1B):c.2900G>A (p.Gly967Glu)

Gene: ARID1B (AT-rich interaction domain 1B; plus strand). Cytogenetic location: 6q25.3.
Variant type: single nucleotide variant.
Coding change: c.2900G>A on transcript NM_001374828.1 (MANE Select); coding-DNA position 2900, G replaced by A.
Protein change: p.Gly967Glu; replaces glycine 967 with glutamic acid.
Molecular consequence: missense variant.
Genome position (GRCh38, 1-based): chr6:157,148,762, G>A. VCF-style: chr6-157148762-G-A. GRCh37 (hg19) VCF-style: chr6-157469896-G-A.
Other names: c.2690G>A (NM_020732.3); c.401G>A, p.Gly134Glu (NM_001363725.2); c.2939G>A, p.Gly980Glu (NM_001371656.1, NM_001374820.1); c.2900G>A, p.Gly967Glu (NM_017519.3); short protein forms G134E, G967E, G980E.
Identifiers: ClinVar variation 1309718 (VCV001309718.2), dbSNP rs2128634373, ClinGen allele CA366388901.